The following is an entry in ClinVar:

NM_206933.4(USH2A):c.13969T>C (p.Trp4657Arg)

Gene: USH2A (usherin; minus strand). Cytogenetic location: 1q41.
Variant type: single nucleotide variant.
Coding change: c.13969T>C on transcript NM_206933.4 (MANE Select); coding-DNA position 13969, T replaced by C.
Protein change: p.Trp4657Arg; replaces tryptophan 4657 with arginine.
Molecular consequence: missense variant.
Genome position (GRCh38, 1-based): chr1:215,671,136, A>G on the plus strand (T>C on the coding strand, the complement: USH2A is on the minus strand). VCF-style: chr1-215671136-A-G. GRCh37 (hg19) VCF-style: chr1-215844478-A-G.
Other names: short protein forms W4657R.
Identifiers: ClinVar variation 1949670 (VCV001949670.5), dbSNP rs2464880965, ClinGen allele CA344840980.

ClinVar aggregate classification (germline): Uncertain significance (1 of 4 stars; one submission).

Submission:

Labcorp Genetics (formerly Invitae), Labcorp
Classification: Uncertain significance. Last evaluated: 2023-11-27. Review status: criteria provided, single submitter. Criteria: Invitae Variant Classification Sherloc (09022015). Collection method: clinical testing. Allele origin: germline.
Comment: This sequence change replaces tryptophan, which is neutral and slightly polar, with arginine, which is basic and polar, at codon 4657 of the USH2A protein (p.Trp4657Arg). This variant is not present in population databases (gnomAD no frequency). This variant has not been reported in the literature in individuals affected with USH2A-related conditions. ClinVar contains an entry for this variant (Variation ID: 1949670). Advanced modeling of protein sequence and biophysical properties (such as structural, functional, and spatial information, amino acid conservation, physicochemical variation, residue mobility, and thermodynamic stability) performed at Invitae indicates that this missense variant is expected to disrupt USH2A protein function with a positive predictive value of 95%. In summary, the available evidence is currently insufficient to determine the role of this variant in disease. Therefore, it has been classified as a Variant of Uncertain Significance.